The following is an entry in ClinVar:

ClinVar aggregate classification (germline): Uncertain significance (1 of 4 stars; one submission).

Conditions:
Primary ciliary dyskinesia 30. Also called: CILIARY DYSKINESIA, PRIMARY, 30, WITH OR WITHOUT SITUS INVERSUS. Identifiers: Orphanet 244, MedGen C4015016, MONDO:0014465, OMIM 616037.

Allele frequency attached by ClinVar (database versions not stated): TOPMed below 0.00001; gnomAD 0.00001.
gnomAD v4.1: 1 of 1,589,874 alleles (0.000063%); highest among the groups gnomAD compares: Non-Finnish European, 0.000086%; no homozygotes.

Submission:

Labcorp Genetics (formerly Invitae), Labcorp
Classification: Uncertain significance for Primary ciliary dyskinesia 30. Last evaluated: 2022-01-11. Review status: criteria provided, single submitter. Criteria: Invitae Variant Classification Sherloc (09022015). Collection method: clinical testing. Allele origin: germline.
Comment: This sequence change replaces threonine, which is neutral and polar, with alanine, which is neutral and non-polar, at codon 477 of the CCDC151 protein (p.Thr477Ala). This variant has not been reported in the literature in individuals affected with CCDC151-related conditions. This variant is not present in population databases (gnomAD no frequency). Algorithms developed to predict the effect of missense changes on protein structure and function (SIFT, PolyPhen-2, Align-GVGD) all suggest that this variant is likely to be tolerated. In summary, the available evidence is currently insufficient to determine the role of this variant in disease. Therefore, it has been classified as a Variant of Uncertain Significance.

NM_145045.5(ODAD3):c.1429A>G (p.Thr477Ala)

Gene: ODAD3 (outer dynein arm docking complex subunit 3; minus strand). Cytogenetic location: 19p13.2.
Variant type: single nucleotide variant.
Coding change: c.1429A>G on transcript NM_145045.5 (MANE Select); coding-DNA position 1429, A replaced by G.
Protein change: p.Thr477Ala; replaces threonine 477 with alanine.
Molecular consequence: missense variant.
Genome position (GRCh38, 1-based): chr19:11,422,476, T>C on the plus strand (A>G on the coding strand, the complement: ODAD3 is on the minus strand). VCF-style: chr19-11422476-T-C. GRCh37 (hg19) VCF-style: chr19-11533144-T-C.
Other names: c.1267A>G, p.Thr423Ala (NM_001302453.1); c.1249A>G, p.Thr417Ala (NM_001302454.2); short protein forms T417A, T477A, T423A.
Identifiers: ClinVar variation 2079023 (VCV002079023.4), dbSNP rs1370351645, ClinGen allele CA404119476.